The following is an entry in ClinVar:

ClinVar aggregate classification (germline): Uncertain significance. Review status: criteria provided, multiple submitters, no conflicts (2 of 4 stars). 2 submissions from 2 submitters: Uncertain significance (2). Last evaluated 2025-11-27.

Conditions:
Hereditary hemochromatosis (HFE). Identifiers: MedGen C0392514, MONDO:0006507. Disease mechanism: loss of function.
Inborn genetic diseases. Identifiers: MedGen C0950123, MeSH D030342.

gnomAD v4.1: 1 of 1,614,064 alleles (0.000062%); highest among the groups gnomAD compares: Non-Finnish European, 0.000085%; no homozygotes.

Submissions (2):

Labcorp Genetics (formerly Invitae), Labcorp
Classification: Uncertain significance for Hereditary hemochromatosis. Last evaluated: 2025-11-27. Review status: criteria provided, single submitter. Criteria: Invitae Variant Classification Sherloc (09022015). Collection method: clinical testing. Allele origin: germline.
Comment: This sequence change replaces glutamic acid, which is acidic and polar, with glutamine, which is neutral and polar, at codon 184 of the HFE protein (p.Glu184Gln). This variant is not present in population databases (gnomAD no frequency). This variant has not been reported in the literature in individuals affected with HFE-related conditions. ClinVar contains an entry for this variant (Variation ID: 3525329). Invitae Evidence Modeling of protein sequence and biophysical properties (such as structural, functional, and spatial information, amino acid conservation, physicochemical variation, residue mobility, and thermodynamic stability) indicates that this missense variant is not expected to disrupt HFE protein function with a negative predictive value of 80%. In summary, the available evidence is currently insufficient to determine the role of this variant in disease. Therefore, it has been classified as a Variant of Uncertain Significance.

Ambry Genetics
Classification: Uncertain significance for Inborn genetic diseases. Last evaluated: 2024-10-19. Review status: criteria provided, single submitter. Criteria: Ambry Variant Classification Scheme 2023. Collection method: clinical testing. Allele origin: germline.

NM_000410.4(HFE):c.550G>C (p.Glu184Gln)

Gene: HFE (homeostatic iron regulator; plus strand). Cytogenetic location: 6p22.2.
Variant type: single nucleotide variant.
Coding change: c.550G>C on transcript NM_000410.4 (MANE Select); coding-DNA position 550, G replaced by C.
Protein change: p.Glu184Gln; replaces glutamic acid 184 with glutamine.
Molecular consequence: missense variant. On other transcripts: intron variant (4).
Genome position (GRCh38, 1-based): chr6:26,091,523, G>C. VCF-style: chr6-26091523-G-C. GRCh37 (hg19) VCF-style: chr6-26091751-G-C.
Other names: c.550G>C, p.Glu184Gln (NM_001300749.3, NM_001384164.1, NM_001406751.1 and 1 more transcripts); c.286G>C, p.Glu96Gln (NM_001406752.1, NM_139007.3, NM_139008.3); c.481G>C, p.Glu161Gln (NM_139009.3); c.340+419G>C (NM_139004.3, NM_139003.3); c.77-1162G>C (NM_139010.3); c.77-1596G>C (NM_139011.3); short protein forms E184Q, E161Q, E96Q.
Identifiers: ClinVar variation 3525329 (VCV003525329.2).
Genomic context (GRCh38, chr6:26,091,523, plus strand): 5'-CCCACCAAGCTGGAGTGGGAAAGGCACAAGATTCGGGCCAGGCAGAACAGGGCCTACCTG[G>C]AGAGGGACTGCCCTGCACAGCTGCAGCAGTTGCTGGAGCTGGGGAGAGGTGTTTTGGACC-3'
Protein context (NP_000401.1, residues 174-194): IRARQNRAYL[Glu184Gln]RDCPAQLQQL